The following is an entry in ClinVar:

ClinVar aggregate classification (germline): Uncertain significance (1 of 4 stars; one submission).

Conditions:
Hereditary spastic paraplegia 30. Identifiers: Orphanet 101010, MedGen C5235139, MONDO:0012476.
Neuropathy, hereditary sensory, type 2C. Also called: Hereditary sensory and autonomic neuropathy type IIC; KIF1A-Related HSAN2 (HSAN2C). Identifiers: Orphanet 970, MedGen C3280168, MONDO:0013634, OMIM 614213.
Intellectual disability, autosomal dominant 9 (NESCAVS). Also called: NESCAV SYNDROME; KIF1A-Related Neurodevelopmental Disorder. Identifiers: Orphanet 662367, MedGen C5393830, MONDO:0013656, OMIM 614255.

Submission:

Labcorp Genetics (formerly Invitae), Labcorp
Classification: Uncertain significance for Hereditary spastic paraplegia 30; Neuropathy, hereditary sensory, type 2C; Intellectual disability, autosomal dominant 9. Last evaluated: 2025-03-10. Review status: criteria provided, single submitter. Criteria: Invitae Variant Classification Sherloc (09022015). Collection method: clinical testing. Allele origin: germline.
Comment: This sequence change replaces valine, which is neutral and non-polar, with methionine, which is neutral and non-polar, at codon 1324 of the KIF1A protein (p.Val1324Met). This variant is not present in population databases (gnomAD no frequency). This variant has not been reported in the literature in individuals affected with KIF1A-related conditions. ClinVar contains an entry for this variant (Variation ID: 1366851). Invitae Evidence Modeling of protein sequence and biophysical properties (such as structural, functional, and spatial information, amino acid conservation, physicochemical variation, residue mobility, and thermodynamic stability) indicates that this missense variant is not expected to disrupt KIF1A protein function with a negative predictive value of 95%. In summary, the available evidence is currently insufficient to determine the role of this variant in disease. Therefore, it has been classified as a Variant of Uncertain Significance.

NM_001244008.2(KIF1A):c.4273G>A (p.Val1425Met)

Gene: KIF1A (kinesin family member 1A; minus strand). Cytogenetic location: 2q37.3.
Variant type: single nucleotide variant.
Coding change: c.4273G>A on transcript NM_001244008.2 (MANE Select); coding-DNA position 4273, G replaced by A.
Protein change: p.Val1425Met; replaces valine 1425 with methionine.
Molecular consequence: missense variant.
Genome position (GRCh38, 1-based): chr2:240,724,020, C>T on the plus strand (G>A on the coding strand, the complement: KIF1A is on the minus strand). VCF-style: chr2-240724020-C-T. GRCh37 (hg19) VCF-style: chr2-241663437-C-T.
Other names: c.3997G>A, p.Val1333Met (NM_001320705.2, NM_001379649.1); c.4024G>A, p.Val1342Met (NM_001330289.2); c.4072G>A, p.Val1358Met (NM_001330290.2, NM_001379648.1); c.4348G>A, p.Val1450Met (NM_001379631.1); c.4249G>A, p.Val1417Met (NM_001379632.1); c.4246G>A, p.Val1416Met (NM_001379633.1, NM_001379645.1); c.4099G>A, p.Val1367Met (NM_001379634.1); c.4096G>A, p.Val1366Met (NM_001379635.1, NM_001379646.1); and 7 more; short protein forms V1332M, V1358M, V1366M, V1367M, V1450M, V1324M, V1333M, V1341M.
Identifiers: ClinVar variation 1366851 (VCV001366851.6), dbSNP rs2125608798, ClinGen allele CA351306259.